The following is an entry in ClinVar:

NM_020458.4(TTC7A):c.1549G>A (p.Ala517Thr)

Gene: TTC7A (tetratricopeptide repeat domain 7A; plus strand). Cytogenetic location: 2p21.
Variant type: single nucleotide variant.
Coding change: c.1549G>A on transcript NM_020458.4 (MANE Select); coding-DNA position 1549, G replaced by A.
Protein change: p.Ala517Thr; replaces alanine 517 with threonine.
Molecular consequence: missense variant.
Genome position (GRCh38, 1-based): chr2:47,023,446, G>A. VCF-style: chr2-47023446-G-A. GRCh37 (hg19) VCF-style: chr2-47250585-G-A.
Other names: c.1549G>A, p.Ala517Thr (NM_001288951.2); c.1447G>A, p.Ala483Thr (NM_001288953.2); c.487G>A, p.Ala163Thr (NM_001288955.2); short protein forms A163T, A483T, A517T.
Identifiers: ClinVar variation 1007594 (VCV001007594.7), dbSNP rs982437690, ClinGen allele CA346716258.

ClinVar aggregate classification (germline): Uncertain significance (1 of 4 stars; one submission).

Conditions:
Multiple gastrointestinal atresias. Also called: Multiple intestinal atresia; FAMILIAL INTESTINAL POLYATRESIA SYNDROME. Identifiers: Orphanet 2300, MedGen C0220744, MONDO:0009465.

Allele frequency attached by ClinVar (database versions not stated): TOPMed below 0.00001.
gnomAD v4.1: 6 of 1,614,130 alleles (0.00037%); highest among the groups gnomAD compares: African/African-American, 0.0013%; no homozygotes.

Submission:

Labcorp Genetics (formerly Invitae), Labcorp
Classification: Uncertain significance for Multiple gastrointestinal atresias. Last evaluated: 2021-08-20. Review status: criteria provided, single submitter. Criteria: Invitae Variant Classification Sherloc (09022015). Collection method: clinical testing. Allele origin: germline.
Comment: This sequence change replaces alanine with threonine at codon 517 of the TTC7A protein (p.Ala517Thr). The alanine residue is moderately conserved and there is a small physicochemical difference between alanine and threonine. This variant is not present in population databases (ExAC no frequency). This variant has not been reported in the literature in individuals affected with TTC7A-related conditions. Algorithms developed to predict the effect of missense changes on protein structure and function are either unavailable or do not agree on the potential impact of this missense change (SIFT: "Tolerated"; PolyPhen-2: "Probably Damaging"; Align-GVGD: "Class C0"). In summary, the available evidence is currently insufficient to determine the role of this variant in disease. Therefore, it has been classified as a Variant of Uncertain Significance.